The following is an entry in ClinVar:

ClinVar aggregate classification (germline): Pathogenic (1 of 4 stars; one submission).

Conditions:
Duchenne muscular dystrophy (DMD). Also called: Duchenne Muscular Dystrophy (DMD); MUSCULAR DYSTROPHY, PSEUDOHYPERTROPHIC PROGRESSIVE, DUCHENNE TYPE. Identifiers: Orphanet 98896, MedGen C0013264, MONDO:0010679, OMIM 310200.

Submission:

Labcorp Genetics (formerly Invitae), Labcorp
Classification: Pathogenic for Duchenne muscular dystrophy. Last evaluated: 2019-06-27. Review status: criteria provided, single submitter. Criteria: Invitae Variant Classification Sherloc (09022015). Collection method: clinical testing. Allele origin: germline.
Comment: This variant is an out-of-frame deletion of the genomic region encompassing exon 53 of the DMD gene. This is expected to create a premature translational stop signal and result in an absent or disrupted protein product. This variant has been reported in several individuals affected with Duchenne muscular dystrophy (PMID: 12111668, 27206868, 21969337, 21515508). Loss-of-function variants in DMD are known to be pathogenic (PMID: 16770791, 25007885). For these reasons, this variant has been classified as Pathogenic.

Literature cited by the submitters: PubMed 21969337; PubMed 21515508; PubMed 12111668; PubMed 27206868.

NC_000023.11:g.(?_31679365)_(31679596_?)del

Gene: DMD (dystrophin; minus strand). Cytogenetic location: Xp21.1.
Variant type: Deletion.
Identifiers: ClinVar variation 832439 (VCV000832439.1).